The following is an entry in ClinVar:

ClinVar aggregate classification (germline): Uncertain significance. Review status: criteria provided, multiple submitters, no conflicts (2 of 4 stars). 2 submissions from 2 submitters: Uncertain significance (2). Last evaluated 2025-07-10.

Conditions:
Inborn genetic diseases. Identifiers: MedGen C0950123, MeSH D030342.

gnomAD v4.1: 11 of 1,613,928 alleles (0.00068%); highest among the groups gnomAD compares: Non-Finnish European, 0.00093%; no homozygotes.

Submissions (2):

Labcorp Genetics (formerly Invitae), Labcorp
Classification: Uncertain significance. Last evaluated: 2025-07-10. Review status: criteria provided, single submitter. Criteria: Invitae Variant Classification Sherloc (09022015). Collection method: clinical testing. Allele origin: germline.
Comment: This sequence change replaces lysine, which is basic and polar, with arginine, which is basic and polar, at codon 1759 of the C2CD3 protein (p.Lys1759Arg). This variant is present in population databases (no rsID available, gnomAD 0.0009%). This variant has not been reported in the literature in individuals affected with C2CD3-related conditions. Invitae Evidence Modeling of protein sequence and biophysical properties (such as structural, functional, and spatial information, amino acid conservation, physicochemical variation, residue mobility, and thermodynamic stability) indicates that this missense variant is expected to disrupt C2CD3 protein function with a positive predictive value of 80%. In summary, the available evidence is currently insufficient to determine the role of this variant in disease. Therefore, it has been classified as a Variant of Uncertain Significance.

Ambry Genetics
Classification: Uncertain significance for Inborn genetic diseases. Last evaluated: 2025-06-25. Review status: criteria provided, single submitter. Criteria: Ambry Variant Classification Scheme 2023. Collection method: clinical testing. Allele origin: germline.

NM_001286577.2(C2CD3):c.5276A>G (p.Lys1759Arg)

Gene: C2CD3 (C2 domain containing 3 centriole elongation regulator; minus strand). Cytogenetic location: 11q13.4.
Variant type: single nucleotide variant.
Coding change: c.5276A>G on transcript NM_001286577.2 (MANE Select); coding-DNA position 5276, A replaced by G.
Protein change: p.Lys1759Arg; replaces lysine 1759 with arginine.
Molecular consequence: missense variant.
Genome position (GRCh38, 1-based): chr11:74,049,422, T>C on the plus strand (A>G on the coding strand, the complement: C2CD3 is on the minus strand). VCF-style: chr11-74049422-T-C. GRCh37 (hg19) VCF-style: chr11-73760467-T-C.
Other names: c.5276A>G, p.Lys1759Arg (NM_015531.6); short protein forms K1759R.
Identifiers: ClinVar variation 4217239 (VCV004217239.2).